The following is an entry in ClinVar:

GRCh37/hg19 6q25.3(chr6:156234522-157126587)x1

Gene: ARID1B (AT-rich interaction domain 1B; plus strand). Cytogenetic location: 6q25.3.
Variant type: copy number loss.
Change: copy number 1 (one copy instead of two) of chr6:156,234,522-157,126,587 (892.1 kb, GRCh37 coordinates, 1-based), cytogenetic band 6q25.3.
Identifiers: ClinVar variation 1807733 (VCV001807733.1).

ClinVar aggregate classification (germline): Likely pathogenic (1 of 4 stars; one submission).

Submission:

Quest Diagnostics Nichols Institute San Juan Capistrano
Classification: Likely pathogenic. Last evaluated: 2021-08-09. Review status: criteria provided, single submitter. Criteria: ACMG/ClinGen CNV Guidelines, 2019. Collection method: clinical testing. Allele origin: unknown.
Comment: The copy number loss of 6q25.3 involves the first exon (NM_001374820.1) of ARID1B (OMIM 614556). It is not clear whether expression of this gene has been disrupted by this partial gain. Haploinsufficiency of ARID1B is associated with clinical phenotypes ranging from classic Coffin-Siris syndrome (CSS) (OMIM 135900) to intellectual disability with or without nonspecific dysmorphic features. CSS is characterized by variable degrees of intellectual disability, speech impairment, coarse facial features, hypertrichosis, sparse scalp hair, and hypoplastic or absent fifth fingernails or toenails. Thus, based on literature review and gene content, this copy number loss is interpreted as likely pathogenic.